The following is an entry in ClinVar:

ClinVar aggregate classification (germline): Uncertain significance (1 of 4 stars; one submission).

Conditions:
Hereditary cancer-predisposing syndrome. Also called: Tumor predisposition; Hereditary Cancer Syndrome; Hereditary neoplastic syndrome; Neoplastic Syndromes, Hereditary. Identifiers: Orphanet 140162, MedGen C0027672, MeSH D009386, MONDO:0015356.

Submission:

Ambry Genetics
Classification: Uncertain significance for Hereditary cancer-predisposing syndrome. Last evaluated: 2025-10-23. Review status: criteria provided, single submitter. Criteria: Ambry Variant Classification Scheme 2023. Collection method: clinical testing. Allele origin: germline.
Comment: The p.A274V variant (also known as c.821C>T), located in coding exon 3 of the PHOX2B gene, results from a C to T substitution at nucleotide position 821. The alanine at codon 274 is replaced by valine, an amino acid with similar properties. This amino acid position is conserved. In addition, the in silico prediction for this alteration is inconclusive. Since supporting evidence is limited at this time, the clinical significance of this alteration remains unclear.

NM_003924.4(PHOX2B):c.821C>T (p.Ala274Val)

Gene: PHOX2B (paired like homeobox 2B; minus strand). Cytogenetic location: 4p13.
Variant type: single nucleotide variant.
Coding change: c.821C>T on transcript NM_003924.4 (MANE Select); coding-DNA position 821, C replaced by T.
Protein change: p.Ala274Val; replaces alanine 274 with valine.
Molecular consequence: missense variant.
Genome position (GRCh38, 1-based): chr4:41,745,931, G>A on the plus strand (C>T on the coding strand, the complement: PHOX2B is on the minus strand). VCF-style: chr4-41745931-G-A. GRCh37 (hg19) VCF-style: chr4-41747948-G-A.
Other names: short protein forms A274V.
Identifiers: ClinVar variation 2621310 (VCV002621310.3), dbSNP rs2552096784, ClinGen allele CA356737070.
Genomic context (GRCh38, chr4:41,745,931, plus strand): 5'-ACGCTGGCGAAGGGACCCCCAAGCGAATCCGGGATGGAGGTGATGGGGCCGGGGCCGGGA[G>A]CCCAGCCTTGTCCAGGGCCCCCAGCCGCAGCCAGGCCTCCAGCTGCCGCCGCTGCCGCTG-3'
Protein context (NP_003915.2, residues 264-284): AAAGGPGQGW[Ala274Val]PGPGPITSIP